The following is an entry in ClinVar:

NM_003322.6(TULP1):c.1592C>T (p.Ala531Val)

Gene: TULP1 (TUB like protein 1; minus strand). Cytogenetic location: 6p21.31.
Variant type: single nucleotide variant.
Coding change: c.1592C>T on transcript NM_003322.6 (MANE Select); coding-DNA position 1592, C replaced by T.
Protein change: p.Ala531Val; replaces alanine 531 with valine.
Molecular consequence: missense variant.
Genome position (GRCh38, 1-based): chr6:35,498,364, G>A on the plus strand (C>T on the coding strand, the complement: TULP1 is on the minus strand). VCF-style: chr6-35498364-G-A. GRCh37 (hg19) VCF-style: chr6-35466141-G-A.
Other names: c.1433C>T, p.Ala478Val (NM_001289395.2); short protein forms A478V, A531V.
Identifiers: ClinVar variation 3382015 (VCV003382015.2).

ClinVar aggregate classification (germline): Likely pathogenic (1 of 4 stars; one submission).

Conditions:
Retinitis pigmentosa 14 (RP14). Also called: RETINITIS PIGMENTOSA, JUVENILE, TULP1-RELATED. Identifiers: Orphanet 791, MedGen C1838603, MONDO:0010827, OMIM 600132.
Leber congenital amaurosis 15 (LCA15). Identifiers: Orphanet 65, MedGen C3151206, MONDO:0013457, OMIM 613843.

Submission:

Juno Genomics, Hangzhou Juno Genomics, Inc
Classification: Likely pathogenic for Leber congenital amaurosis 15; Retinitis pigmentosa 14. Review status: criteria provided, single submitter. Criteria: ACMG Guidelines, 2015. Collection method: clinical testing. Allele origin: germline. Affected: yes.
Comment: Absent from controls (or at extremely low frequency if recessive) in Genome Aggregation Database, Exome Sequencing Project, 1000 Genomes Project, or Exome Aggregation Consortium.;Multiple lines of computational evidence support a deleterious effect on the gene or gene product (conservation, evolutionary, splicing impact, etc).;For recessive disorders, detected in trans with a pathogenic variant.;Patient's phenotype or family history is highly specific for a disease with a single genetic etiology.